The following is an entry in ClinVar:

NM_031935.3(HMCN1):c.9363+5A>G

Gene: HMCN1 (hemicentin 1; plus strand). Cytogenetic location: 1q31.1.
Variant type: single nucleotide variant.
Coding change: c.9363+5A>G on transcript NM_031935.3 (MANE Select); 5 bases into the intron after coding-DNA position 9363, A replaced by G.
Molecular consequence: intron variant.
Genome position (GRCh38, 1-based): chr1:186,087,650, A>G. VCF-style: chr1-186087650-A-G. GRCh37 (hg19) VCF-style: chr1-186056782-A-G.
Identifiers: ClinVar variation 3622810 (VCV003622810.2).
Genomic context (GRCh38, chr1:186,087,650, plus strand): 5'-CTACTCATGTGGAGATTTTAGCTGATGGACAAATGCTACACATTAAGAAAGCTGAGGTGC[A>G]TCTTTTATTCTTGTTTGAGTGTCATGACACCTTGGTGGGGTGGTGGAAAAGATGCTTGGA-3'

ClinVar aggregate classification (germline): Uncertain significance (1 of 4 stars; one submission).

gnomAD v4.1: 5 of 1,612,276 alleles (0.00031%); highest among the groups gnomAD compares: Non-Finnish European, 0.00034%; no homozygotes.

Submission:

Labcorp Genetics (formerly Invitae), Labcorp
Classification: Uncertain significance. Last evaluated: 2024-10-29. Review status: criteria provided, single submitter. Criteria: Invitae Variant Classification Sherloc (09022015). Collection method: clinical testing. Allele origin: germline.
Comment: This sequence change falls in intron 60 of the HMCN1 gene. It does not directly change the encoded amino acid sequence of the HMCN1 protein. It affects a nucleotide within the consensus splice site. This variant is not present in population databases (gnomAD no frequency). This variant has not been reported in the literature in individuals affected with HMCN1-related conditions. Variants that disrupt the consensus splice site are a relatively common cause of aberrant splicing (PMID: 17576681, 9536098). Algorithms developed to predict the effect of sequence changes on RNA splicing suggest that this variant may create or strengthen a splice site. In summary, the available evidence is currently insufficient to determine the role of this variant in disease. Therefore, it has been classified as a Variant of Uncertain Significance.

Literature cited by the submitters: PubMed 17576681; PubMed 9536098.